The following is an entry in ClinVar:

ClinVar aggregate classification (germline): Uncertain significance (1 of 4 stars; one submission).

Conditions:
Birt-Hogg-Dube syndrome. Also called: Birt Hogg Dubé syndrome. Identifiers: Orphanet 122, MedGen C0346010, MONDO:0800444.

gnomAD v4.1: 2 of 1,614,080 alleles (0.00012%); highest among the groups gnomAD compares: Non-Finnish European, 0.00017%; no homozygotes.

Submission:

Labcorp Genetics (formerly Invitae), Labcorp
Classification: Uncertain significance for Birt-Hogg-Dube syndrome. Last evaluated: 2025-05-21. Review status: criteria provided, single submitter. Criteria: Invitae Variant Classification Sherloc (09022015). Collection method: clinical testing. Allele origin: germline.
Comment: This sequence change replaces lysine, which is basic and polar, with glutamic acid, which is acidic and polar, at codon 508 of the FLCN protein (p.Lys508Glu). This variant is not present in population databases (gnomAD no frequency). This variant has not been reported in the literature in individuals affected with FLCN-related conditions. Invitae Evidence Modeling of protein sequence and biophysical properties (such as structural, functional, and spatial information, amino acid conservation, physicochemical variation, residue mobility, and thermodynamic stability) indicates that this missense variant is expected to disrupt FLCN protein function with a positive predictive value of 80%. This variant disrupts the p.Lys508 amino acid residue in FLCN. Other variant(s) that disrupt this residue have been determined to be pathogenic (PMID: 19659657, 21538689, 23364595). This suggests that this residue is clinically significant, and that variants that disrupt this residue are likely to be disease-causing. In summary, the available evidence is currently insufficient to determine the role of this variant in disease. Therefore, it has been classified as a Variant of Uncertain Significance.

Literature cited by the submitters: PubMed 19659657; PubMed 21538689; PubMed 23364595.

NM_144997.7(FLCN):c.1522A>G (p.Lys508Glu)

Gene: FLCN (folliculin; minus strand). Cytogenetic location: 17p11.2.
Variant type: single nucleotide variant.
Coding change: c.1522A>G on transcript NM_144997.7 (MANE Select); coding-DNA position 1522, A replaced by G.
Protein change: p.Lys508Glu; replaces lysine 508 with glutamic acid.
Molecular consequence: missense variant.
Genome position (GRCh38, 1-based): chr17:17,215,001, T>C on the plus strand (A>G on the coding strand, the complement: FLCN is on the minus strand). VCF-style: chr17-17215001-T-C. GRCh37 (hg19) VCF-style: chr17-17118315-T-C.
Other names: c.1576A>G, p.Lys526Glu (NM_001353229.2); c.1522A>G, p.Lys508Glu (NM_001353230.2, NM_001353231.2); short protein forms K508E, K526E.
Identifiers: ClinVar variation 4692831 (VCV004692831.1).
Genomic context (GRCh38, chr17:17,215,001, plus strand): 5'-TCCAGGGTCGCAAGCAAAGGGGCCTCACCCACACTGTTGCTTACTTCATCCACTCCTCCT[T>C]GAGGCAGACGAGGCACTGGTCCACCACATCCACAGACAGGTTCTGGTTGGTCAGAGCCGC-3'
Protein context (NP_659434.2, residues 498-518): DVVDQCLVCL[Lys508Glu]EEWMNKVKVL